The following is an entry in ClinVar:

ClinVar aggregate classification (germline): Pathogenic (1 of 4 stars; one submission).

Conditions:
Inborn genetic diseases. Identifiers: MedGen C0950123, MeSH D030342.

Submission:

Ambry Genetics
Classification: Pathogenic for Inborn genetic diseases. Last evaluated: 2025-07-18. Review status: criteria provided, single submitter. Criteria: Ambry Variant Classification Scheme 2023. Collection method: clinical testing. Allele origin: germline.
Comment: The c.1840G>T (p.E614*) alteration, located in exon 10 (coding exon 10) of the KMT2D gene, consists of a G to T substitution at nucleotide position 1840. This changes the amino acid from a glutamic acid (E) to a stop codon at amino acid position 614. This alteration is expected to result in loss of function by premature protein truncation or nonsense-mediated mRNA decay. This variant was not reported in population-based cohorts in the Genome Aggregation Database (gnomAD). Based on the available evidence, this alteration is classified as pathogenic.

NM_003482.4(KMT2D):c.1840G>T (p.Glu614Ter)

Gene: KMT2D (lysine methyltransferase 2D; minus strand). Cytogenetic location: 12q13.12.
Variant type: single nucleotide variant.
Coding change: c.1840G>T on transcript NM_003482.4 (MANE Select); coding-DNA position 1840, G replaced by T.
Protein change: p.Glu614Ter; replaces glutamic acid 614 with a stop codon.
Molecular consequence: nonsense.
Genome position (GRCh38, 1-based): chr12:49,051,843, C>A on the plus strand (G>T on the coding strand, the complement: KMT2D is on the minus strand). VCF-style: chr12-49051843-C-A. GRCh37 (hg19) VCF-style: chr12-49445626-C-A.
Other names: short protein forms E614*.
Identifiers: ClinVar variation 4094341 (VCV004094341.1).
Genomic context (GRCh38, chr12:49,051,843, plus strand): 5'-GCGAGTCCTCAGGTGGTGGGGACAGGCGTGATGCCTCAGGTGGTGGGGAAAGGGGAGACT[C>A]CTCAGGTGGAGGGGACAGAGGAGACTCTTCAAATGGTGGGAACAGACGAGATGCCTCCGG-3'